The following is an entry in ClinVar:

NM_001035.3(RYR2):c.9068-10T>G

Gene: RYR2 (ryanodine receptor 2; plus strand). Cytogenetic location: 1q43.
Variant type: single nucleotide variant.
Coding change: c.9068-10T>G on transcript NM_001035.3 (MANE Select); 10 bases into the intron before coding-DNA position 9068, T replaced by G.
Molecular consequence: intron variant.
Genome position (GRCh38, 1-based): chr1:237,698,955, T>G. VCF-style: chr1-237698955-T-G. GRCh37 (hg19) VCF-style: chr1-237862255-T-G.
Identifiers: ClinVar variation 4761413 (VCV004761413.1).

ClinVar aggregate classification (germline): Uncertain significance (1 of 4 stars; one submission).

Conditions:
Catecholaminergic polymorphic ventricular tachycardia 1. Also called: RYR2-Related Catecholaminergic Polymorphic Ventricular Tachycardia; VENTRICULAR TACHYCARDIA, STRESS-INDUCED POLYMORPHIC 1; VENTRICULAR TACHYCARDIA, CATECHOLAMINERGIC POLYMORPHIC, 1, WITH OR WITHOUT ATRIAL DYSFUNCTION AND/OR DILATED CARDIOMYOPATHY. Identifiers: Orphanet 3286, MedGen C1631597, MONDO:0011484, OMIM 604772.

Submission:

Labcorp Genetics (formerly Invitae), Labcorp
Classification: Uncertain significance for Catecholaminergic polymorphic ventricular tachycardia 1. Last evaluated: 2025-03-09. Review status: criteria provided, single submitter. Criteria: Invitae Variant Classification Sherloc (09022015). Collection method: clinical testing. Allele origin: germline.
Comment: This sequence change falls in intron 63 of the RYR2 gene. It does not directly change the encoded amino acid sequence of the RYR2 protein. This variant is not present in population databases (gnomAD no frequency). This variant has not been reported in the literature in individuals affected with RYR2-related conditions. Algorithms developed to predict the effect of sequence changes on RNA splicing suggest that this variant may disrupt the consensus splice site. In summary, the available evidence is currently insufficient to determine the role of this variant in disease. Therefore, it has been classified as a Variant of Uncertain Significance.